The following is an entry in ClinVar:

NM_001123068.3(PPIAL4G):c.48C>T (p.Pro16=)

Gene: PPIAL4G (peptidylprolyl isomerase A like 4G; minus strand). Cytogenetic location: 1q21.2.
Variant type: single nucleotide variant.
Coding change: c.48C>T on transcript NM_001123068.3 (MANE Select); coding-DNA position 48, C replaced by T.
Protein change: p.Pro16=; no amino-acid change (proline 16 retained).
Molecular consequence: synonymous variant.
Genome position (GRCh38, 1-based): chr1:148,483,205, G>A on the plus strand (C>T on the coding strand, the complement: PPIAL4G is on the minus strand). VCF-style: chr1-148483205-G-A. GRCh37 (hg19) VCF-style: chr1-147955297-G-A.
Identifiers: ClinVar variation 4280906 (VCV004280906.7).

ClinVar aggregate classification (germline): Likely benign (1 of 4 stars; one submission).

Submission:

CeGaT Center for Human Genetics Tuebingen
Classification: Likely benign. Last evaluated: 2025-09-01. Review status: criteria provided, single submitter. Criteria: CeGaT Center For Human Genetics Tuebingen Variant Classification Criteria Version 2. Collection method: clinical testing. Allele origin: germline. Affected: yes. Observed: 1 variant allele.
Comment: PPIAL4A: PM2:Supporting, BP4, BP7